The following is an entry in ClinVar:

NM_001267550.2(TTN):c.105394C>G (p.Leu35132Val)

Genes: TTN-AS1 (TTN antisense RNA 1; plus strand), TTN (titin; minus strand). Cytogenetic location: 2q31.2.
Variant type: single nucleotide variant.
Coding change: c.105394C>G on transcript NM_001267550.2 (MANE Select); coding-DNA position 105394, C replaced by G.
Protein change: p.Leu35132Val; replaces leucine 35132 with valine.
Molecular consequence: missense variant.
Genome position (GRCh38, 1-based): chr2:178,531,221, G>C on the plus strand (C>G on the coding strand, the complement: TTN is on the minus strand). VCF-style: chr2-178531221-G-C. GRCh37 (hg19) VCF-style: chr2-179395948-G-C.
Other names: c.100471C>G, p.Leu33491Val (NM_001256850.1); c.78199C>G, p.Leu26067Val (NM_003319.4); c.97690C>G, p.Leu32564Val (NM_133378.4); c.78574C>G, p.Leu26192Val (NM_133432.3); c.78775C>G, p.Leu26259Val (NM_133437.4); short protein forms L33491V, L26067V, L26192V, L26259V, L32564V, L35132V.
Identifiers: ClinVar variation 2949054 (VCV002949054.3), dbSNP rs2468401892, ClinGen allele CA349408851.

ClinVar aggregate classification (germline): Uncertain significance (1 of 4 stars; one submission).

Conditions:
Dilated cardiomyopathy 1G (CMD1G). Identifiers: Orphanet 154, MedGen C1858763, MONDO:0011400, OMIM 604145.
Autosomal recessive limb-girdle muscular dystrophy type 2J (LGMDR10). Also called: Limb-girdle muscular dystrophy, type 2J; MUSCULAR DYSTROPHY, LIMB-GIRDLE, AUTOSOMAL RECESSIVE 10. Identifiers: Orphanet 140922, MedGen C1837342, MONDO:0012127, OMIM 608807.

Submission:

Labcorp Genetics (formerly Invitae), Labcorp
Classification: Uncertain significance for Dilated cardiomyopathy 1G; Autosomal recessive limb-girdle muscular dystrophy type 2J. Last evaluated: 2023-06-20. Review status: criteria provided, single submitter. Criteria: Invitae Variant Classification Sherloc (09022015). Collection method: clinical testing. Allele origin: germline.
Comment: This sequence change replaces leucine, which is neutral and non-polar, with valine, which is neutral and non-polar, at codon 35132 of the TTN protein (p.Leu35132Val). This variant is not present in population databases (gnomAD no frequency). This variant has not been reported in the literature in individuals affected with TTN-related conditions. Experimental studies and prediction algorithms are not available or were not evaluated, and the functional significance of this variant is currently unknown. In summary, the available evidence is currently insufficient to determine the role of this variant in disease. Therefore, it has been classified as a Variant of Uncertain Significance. This variant is located in the M band of TTN (PMID: 25589632). Variants in this region may be relevant for neuromuscular disorders, but have not been definitively shown to cause cardiomyopathy (PMID: 23975875).

Literature cited by the submitters: PubMed 25589632; PubMed 23975875.